The following is an entry in ClinVar:

ClinVar aggregate classification (germline): Uncertain significance (1 of 4 stars; one submission).

Conditions:
Cardiac arrhythmia. Also called: Arrhythmia; Cardiac rhythm disease. Identifiers: MedGen C0003811, MONDO:0007263, HP:0011675.

Submission:

Labcorp Genetics (formerly Invitae), Labcorp
Classification: Uncertain significance for Cardiac arrhythmia. Last evaluated: 2023-12-06. Review status: criteria provided, single submitter. Criteria: Invitae Variant Classification Sherloc (09022015). Collection method: clinical testing. Allele origin: germline.
Comment: This sequence change replaces serine, which is neutral and polar, with leucine, which is neutral and non-polar, at codon 159 of the RANGRF protein (p.Ser159Leu). This variant is not present in population databases (gnomAD no frequency). This variant has not been reported in the literature in individuals affected with RANGRF-related conditions. An algorithm developed to predict the effect of missense changes on protein structure and function (PolyPhen-2) suggests that this variant is likely to be tolerated. In summary, the available evidence is currently insufficient to determine the role of this variant in disease. Therefore, it has been classified as a Variant of Uncertain Significance.

NM_016492.5(RANGRF):c.476C>T (p.Ser159Leu)

Genes: RANGRF (RAN guanine nucleotide release factor; plus strand), SLC25A35 (solute carrier family 25 member 35; minus strand). Cytogenetic location: 17p13.1.
Variant type: single nucleotide variant.
Coding change: c.476C>T on transcript NM_016492.5 (MANE Select); coding-DNA position 476, C replaced by T.
Protein change: p.Ser159Leu; replaces serine 159 with leucine.
Molecular consequence: missense variant. On other transcripts: 3 prime UTR variant (3), intron variant (3).
Genome position (GRCh38, 1-based): chr17:8,289,851, C>T. VCF-style: chr17-8289851-C-T. GRCh37 (hg19) VCF-style: chr17-8193169-C-T.
Other names: c.*259C>T (NM_001177801.2); c.*290C>T (NM_001177802.2); c.*33C>T (NM_001330127.2); c.860+3G>A (NM_001320871.2, NM_201520.3, NM_001320872.2); short protein forms S159L.
Identifiers: ClinVar variation 2841770 (VCV002841770.3), dbSNP rs2543872593, ClinGen allele CA397997297.